The following is an entry in ClinVar:

NM_014049.5(ACAD9):c.1826G>A (p.Arg609Gln)

Genes: ACAD9 (acyl-CoA dehydrogenase family member 9; plus strand), CFAP92 (cilia and flagella associated protein 92 (putative); minus strand). Cytogenetic location: 3q21.3.
Variant type: single nucleotide variant.
Coding change: c.1826G>A on transcript NM_014049.5 (MANE Select); coding-DNA position 1826, G replaced by A.
Protein change: p.Arg609Gln; replaces arginine 609 with glutamine.
Molecular consequence: missense variant. On other transcripts: non-coding transcript variant (1), intron variant (3).
Genome position (GRCh38, 1-based): chr3:128,912,567, G>A. VCF-style: chr3-128912567-G-A. GRCh37 (hg19) VCF-style: chr3-128631410-G-A.
Other names: p.Arg609Gln; c.1457G>A, p.Arg486Gln (NM_001410805.1); c.2312-2234C>T (NM_001348521.2); c.2408-2234C>T (NM_001348520.2); c.3281-2234C>T (NM_001394090.1); short protein forms R486Q, R609Q.
Identifiers: ClinVar variation 2140737 (VCV002140737.3), dbSNP rs771818518, ClinGen allele CA2601727.
Genomic context (GRCh38, chr3:128,912,567, plus strand): 5'-ATGCTCCAGAAAACCTAGATGAGCAGATTAAGAAAGTGTCCCAGCAGATCCTTGAGAAGC[G>A]AGCCTATATCTGTGCCCACCCTCTGGACAGGACATGCTGAGGCAGGGGACAGTGTCCCCT-3'
Protein context (NP_054768.2, residues 599-619): KKVSQQILEK[Arg609Gln]AYICAHPLDR

ClinVar aggregate classification (germline): Uncertain significance. Review status: criteria provided, multiple submitters, no conflicts (2 of 4 stars). 3 submissions from 3 submitters: Uncertain significance (3). Last evaluated 2025-07-30.

Conditions:
Inborn genetic diseases. Identifiers: MedGen C0950123, MeSH D030342.

Allele frequency attached by ClinVar (database versions not stated): gnomAD 0.00002; ExAC 0.00003; TOPMed 0.00003.
gnomAD v4.1: 89 of 1,614,042 alleles (0.0055%); highest among the groups gnomAD compares: Middle Eastern, 0.016%; no homozygotes.

Submissions (3):

Mayo Clinic Laboratories, Mayo Clinic
Classification: Uncertain significance. Last evaluated: 2025-07-30. Review status: criteria provided, single submitter. Criteria: ACMG Guidelines, 2015. Collection method: clinical testing. Allele origin: germline. Observed: 1 variant allele.

Ambry Genetics
Classification: Uncertain significance for Inborn genetic diseases. Last evaluated: 2024-01-30. Review status: criteria provided, single submitter. Criteria: Ambry Variant Classification Scheme 2023. Collection method: clinical testing. Allele origin: germline.

Labcorp Genetics (formerly Invitae), Labcorp
Classification: Uncertain significance. Last evaluated: 2022-07-05. Review status: criteria provided, single submitter. Criteria: Invitae Variant Classification Sherloc (09022015). Collection method: clinical testing. Allele origin: germline.
Comment: This sequence change replaces arginine, which is basic and polar, with glutamine, which is neutral and polar, at codon 609 of the ACAD9 protein (p.Arg609Gln). This variant is present in population databases (rs771818518, gnomAD 0.008%). This variant has not been reported in the literature in individuals affected with ACAD9-related conditions. Advanced modeling of protein sequence and biophysical properties (such as structural, functional, and spatial information, amino acid conservation, physicochemical variation, residue mobility, and thermodynamic stability) performed at Invitae indicates that this missense variant is not expected to disrupt ACAD9 protein function. In summary, the available evidence is currently insufficient to determine the role of this variant in disease. Therefore, it has been classified as a Variant of Uncertain Significance.